The following is an entry in ClinVar:

NM_000642.3(AGL):c.2303T>A (p.Ile768Asn)

Gene: AGL (amylo-alpha-1,6-glucosidase and 4-alpha-glucanotransferase; plus strand). Cytogenetic location: 1p21.2.
Variant type: single nucleotide variant.
Coding change: c.2303T>A on transcript NM_000642.3 (MANE Select); coding-DNA position 2303, T replaced by A.
Protein change: p.Ile768Asn; replaces isoleucine 768 with asparagine.
Molecular consequence: missense variant.
Genome position (GRCh38, 1-based): chr1:99,881,686, T>A. VCF-style: chr1-99881686-T-A. GRCh37 (hg19) VCF-style: chr1-100347242-T-A.
Other names: c.2303T>A, p.Ile768Asn (NM_000028.3, NM_000643.3, NM_000644.3 and 2 more transcripts); c.2255T>A, p.Ile752Asn (NM_000646.3); c.2102T>A, p.Ile701Asn (NM_001425327.1); c.2099T>A, p.Ile700Asn (NM_001425328.1, NM_001425329.1); c.1925T>A, p.Ile642Asn (NM_001425332.1); short protein forms I752N, I768N, I642N, I700N, I701N.
Identifiers: ClinVar variation 951793 (VCV000951793.11), dbSNP rs1652043382, ClinGen allele CA341320060.

ClinVar aggregate classification (germline): Uncertain significance. Review status: criteria provided, multiple submitters, no conflicts (2 of 4 stars). 2 submissions from 2 submitters: Uncertain significance (2). Last evaluated 2025-02-12.

Conditions:
Inborn genetic diseases. Identifiers: MedGen C0950123, MeSH D030342.
Glycogen storage disease type III (GSD3). Also called: Cori disease; FORBES DISEASE. Identifiers: Orphanet 366, MedGen C0017922, MONDO:0009291, OMIM 232400.

Allele frequency attached by ClinVar (database versions not stated): gnomAD exomes below 0.00001.
gnomAD v4.1: 1 of 1,613,766 alleles (0.000062%); highest among the groups gnomAD compares: Non-Finnish European, 0.000085%; no homozygotes.

Submissions (2):

Ambry Genetics
Classification: Uncertain significance for Inborn genetic diseases. Last evaluated: 2025-02-12. Review status: criteria provided, single submitter. Criteria: Ambry Variant Classification Scheme 2023. Collection method: clinical testing. Allele origin: germline.

Labcorp Genetics (formerly Invitae), Labcorp
Classification: Uncertain significance for Glycogen storage disease type III. Last evaluated: 2019-04-02. Review status: criteria provided, single submitter. Criteria: Invitae Variant Classification Sherloc (09022015). Collection method: clinical testing. Allele origin: germline.
Comment: In summary, the available evidence is currently insufficient to determine the role of this variant in disease. Therefore, it has been classified as a Variant of Uncertain Significance. Algorithms developed to predict the effect of missense changes on protein structure and function are either unavailable or do not agree on the potential impact of this missense change (SIFT: "Deleterious"; PolyPhen-2: "Probably Damaging"; Align-GVGD: "Class C0"). This variant has not been reported in the literature in individuals with AGL-related conditions. This variant is not present in population databases (ExAC no frequency). This sequence change replaces isoleucine with asparagine at codon 768 of the AGL protein (p.Ile768Asn). The isoleucine residue is moderately conserved and there is a large physicochemical difference between isoleucine and asparagine.